The following is an entry in ClinVar:

NM_014319.5(LEMD3):c.383C>T (p.Ala128Val)

Genes: LEMD3 (LEM domain containing 3; plus strand), LOC130008224 (ATAC-STARR-seq lymphoblastoid silent region 4630; plus strand). Cytogenetic location: 12q14.3.
Variant type: single nucleotide variant.
Coding change: c.383C>T on transcript NM_014319.5 (MANE Select); coding-DNA position 383, C replaced by T.
Protein change: p.Ala128Val; replaces alanine 128 with valine.
Molecular consequence: missense variant.
Genome position (GRCh38, 1-based): chr12:65,169,979, C>T. VCF-style: chr12-65169979-C-T. GRCh37 (hg19) VCF-style: chr12-65563759-C-T.
Other names: c.383C>T, p.Ala128Val (NM_001167614.2); short protein forms A128V.
Identifiers: ClinVar variation 2190548 (VCV002190548.4), dbSNP rs767190888, ClinGen allele CA6670716.

ClinVar aggregate classification (germline): Uncertain significance (1 of 4 stars; one submission).

Allele frequency attached by ClinVar (database versions not stated): gnomAD 0.00002; TOPMed 0.00003.
gnomAD v4.1: 28 of 1,467,526 alleles (0.0019%); highest among the groups gnomAD compares: Middle Eastern, 0.061%; no homozygotes.

Submission:

Labcorp Genetics (formerly Invitae), Labcorp
Classification: Uncertain significance. Last evaluated: 2025-02-13. Review status: criteria provided, single submitter. Criteria: Invitae Variant Classification Sherloc (09022015). Collection method: clinical testing. Allele origin: germline.
Comment: This sequence change replaces alanine, which is neutral and non-polar, with valine, which is neutral and non-polar, at codon 128 of the LEMD3 protein (p.Ala128Val). This variant is present in population databases (rs767190888, gnomAD 0.009%). This variant has not been reported in the literature in individuals affected with LEMD3-related conditions. ClinVar contains an entry for this variant (Variation ID: 2190548). An algorithm developed to predict the effect of missense changes on protein structure and function outputs the following: PolyPhen-2: "Benign". The valine amino acid residue is found in multiple mammalian species, which suggests that this missense change does not adversely affect protein function. In summary, the available evidence is currently insufficient to determine the role of this variant in disease. Therefore, it has been classified as a Variant of Uncertain Significance.